The following is an entry in ClinVar:

NM_006231.4(POLE):c.746G>A (p.Arg249Gln)

Gene: POLE (DNA polymerase epsilon, catalytic subunit; minus strand). Cytogenetic location: 12q24.33.
Variant type: single nucleotide variant.
Coding change: c.746G>A on transcript NM_006231.4 (MANE Select); coding-DNA position 746, G replaced by A.
Protein change: p.Arg249Gln; replaces arginine 249 with glutamine.
Molecular consequence: missense variant.
Genome position (GRCh38, 1-based): chr12:132,677,418, C>T on the plus strand (G>A on the coding strand, the complement: POLE is on the minus strand). VCF-style: chr12-132677418-C-T. GRCh37 (hg19) VCF-style: chr12-133254004-C-T.
Other names: short protein forms R249Q.
Identifiers: ClinVar variation 540789 (VCV000540789.11), dbSNP rs1331349861, ClinGen allele CA387364509.
Genomic context (GRCh38, chr12:132,677,418, plus strand): 5'-CTTACAGGTCGTTCAACAAGGTCATCTCGGCGGGTGATTTCTACCGGAAAAGCATTTCCT[C>T]GGTATCTGACATTGTACCAATGAGCCTGCAAAACACACAGTGTGCTAACTAGAGTTCTAC-3'
Protein context (NP_006222.2, residues 239-259): HVAHWYNVRY[Arg249Gln]GNAFPVEITR

ClinVar aggregate classification (germline): Uncertain significance. Review status: criteria provided, multiple submitters, no conflicts (2 of 4 stars). 3 submissions from 3 submitters: Uncertain significance (3). Last evaluated 2025-11-17.

Conditions:
Hereditary cancer-predisposing syndrome. Also called: Neoplastic Syndromes, Hereditary; Hereditary Cancer Syndrome; Hereditary neoplastic syndrome; Tumor predisposition. Identifiers: Orphanet 140162, MedGen C0027672, MeSH D009386, MONDO:0015356.

Allele frequency attached by ClinVar (database versions not stated): gnomAD exomes below 0.00001.
gnomAD v4.1: 8 of 1,614,006 alleles (0.0005%); highest among the groups gnomAD compares: East Asian, 0.0022%; no homozygotes.

Submissions (3):

Labcorp Genetics (formerly Invitae), Labcorp
Classification: Uncertain significance. Last evaluated: 2025-11-17. Review status: criteria provided, single submitter. Criteria: Invitae Variant Classification Sherloc (09022015). Collection method: clinical testing. Allele origin: germline.
Comment: This sequence change replaces arginine, which is basic and polar, with glutamine, which is neutral and polar, at codon 249 of the POLE protein (p.Arg249Gln). This variant is present in population databases (no rsID available, gnomAD 0.0009%). This variant has not been reported in the literature in individuals affected with POLE-related conditions. ClinVar contains an entry for this variant (Variation ID: 540789). Invitae Evidence Modeling of protein sequence and biophysical properties (such as structural, functional, and spatial information, amino acid conservation, physicochemical variation, residue mobility, and thermodynamic stability) indicates that this missense variant is not expected to disrupt POLE protein function with a negative predictive value of 80%. In summary, the available evidence is currently insufficient to determine the role of this variant in disease. Therefore, it has been classified as a Variant of Uncertain Significance.

Center for Genomic Medicine, Rigshospitalet, Copenhagen University Hospital
Classification: Uncertain significance. Last evaluated: 2025-03-04. Review status: criteria provided, single submitter. Criteria: ACMG Guidelines, 2015. Collection method: clinical testing. Allele origin: germline.

Ambry Genetics
Classification: Uncertain significance for Hereditary cancer-predisposing syndrome. Last evaluated: 2021-08-24. Review status: criteria provided, single submitter. Criteria: Ambry Variant Classification Scheme 2023. Collection method: clinical testing. Allele origin: germline.
Comment: The p.R249Q variant (also known as c.746G>A), located in coding exon 8 of the POLE gene, results from a G to A substitution at nucleotide position 746. The arginine at codon 249 is replaced by glutamine, an amino acid with highly similar properties. This amino acid position is conserved. In addition, this alteration is predicted to be tolerated by in silico analysis. Since supporting evidence is limited at this time, the clinical significance of this alteration remains unclear.